The following is an entry in ClinVar:

ClinVar aggregate classification (germline): Conflicting classifications of pathogenicity. Review status: criteria provided, conflicting classifications (1 of 4 stars). 2 submissions from 2 submitters: Pathogenic (1); Uncertain significance (1). Last evaluated 2025-03-20.

Conditions:
Encephalopathy, lethal, due to defective mitochondrial peroxisomal fission 1. Identifiers: Orphanet 330050, MedGen C3280660, MONDO:0013726, OMIM 614388.

Allele frequency attached by ClinVar (database versions not stated): gnomAD exomes 0.00005; TOPMed 0.00003; gnomAD 0.00002.
gnomAD v4.1: 70 of 1,613,852 alleles (0.0043%); highest among the groups gnomAD compares: Non-Finnish European, 0.0057%; no homozygotes.

Submissions (2):

Tovana Health
Classification: Pathogenic for Encephalopathy, lethal, due to defective mitochondrial peroxisomal fission 1. Last evaluated: 2025-03-20. Review status: criteria provided, single submitter. Criteria: ACMG Guidelines, 2015. Collection method: clinical testing. Allele origin: germline. Inheritance: Autosomal recessive inheritance. Affected: yes. Observed: 1 compound heterozygote.
Comment: The DNM1L gene c.1393G>A (p.Val465Ile) sequence change shows the following evidence of pathogenicity: PS2, PM1, PM2, PP2, PP3, PP4. This variant is present in population databases (dbSNP and gnomAD 0.0032%). This novel variant was found to be maternally inherited and was in trans with another paternally inherited novel pathogenic variant in the affected sibling probands, with one proband more severely affected than the other showcasing the variability of the phenotype even within affected members of the same family.

Labcorp Genetics (formerly Invitae), Labcorp
Classification: Uncertain significance. Last evaluated: 2022-02-28. Review status: criteria provided, single submitter. Criteria: Invitae Variant Classification Sherloc (09022015). Collection method: clinical testing. Allele origin: germline.
Comment: Algorithms developed to predict the effect of missense changes on protein structure and function (SIFT, PolyPhen-2, Align-GVGD) all suggest that this variant is likely to be tolerated. In summary, the available evidence is currently insufficient to determine the role of this variant in disease. Therefore, it has been classified as a Variant of Uncertain Significance. This sequence change replaces valine, which is neutral and non-polar, with isoleucine, which is neutral and non-polar, at codon 465 of the DNM1L protein (p.Val465Ile). This variant is present in population databases (no rsID available, gnomAD 0.003%). This variant has not been reported in the literature in individuals affected with DNM1L-related conditions.

NM_012062.5(DNM1L):c.1393G>A (p.Val465Ile)

Gene: DNM1L (dynamin 1 like; plus strand). Cytogenetic location: 12p11.21.
Variant type: single nucleotide variant.
Coding change: c.1393G>A on transcript NM_012062.5 (MANE Select); coding-DNA position 1393, G replaced by A.
Protein change: p.Val465Ile; replaces valine 465 with isoleucine.
Molecular consequence: missense variant.
Genome position (GRCh38, 1-based): chr12:32,731,890, G>A. VCF-style: chr12-32731890-G-A. GRCh37 (hg19) VCF-style: chr12-32884824-G-A.
Other names: c.1393G>A (NM_005690.4); c.1393G>A, p.Val465Ile (NM_001278463.2, NM_005690.5, NM_012063.4); c.1432G>A, p.Val478Ile (NM_001278464.2, NM_001278465.2, NM_001330380.2); c.784G>A, p.Val262Ile (NM_001278466.2); short protein forms V262I, V465I, V478I.
Identifiers: ClinVar variation 2062373 (VCV002062373.5), dbSNP rs984565210, ClinGen allele CA235196225.